The following is an entry in ClinVar:

NM_006766.5(KAT6A):c.3797A>G (p.Lys1266Arg)

Gene: KAT6A (lysine acetyltransferase 6A; minus strand). Cytogenetic location: 8p11.21.
Variant type: single nucleotide variant.
Coding change: c.3797A>G on transcript NM_006766.5 (MANE Select); coding-DNA position 3797, A replaced by G.
Protein change: p.Lys1266Arg; replaces lysine 1266 with arginine.
Molecular consequence: missense variant.
Genome position (GRCh38, 1-based): chr8:41,934,423, T>C on the plus strand (A>G on the coding strand, the complement: KAT6A is on the minus strand). VCF-style: chr8-41934423-T-C. GRCh37 (hg19) VCF-style: chr8-41791941-T-C.
Other names: short protein forms K1266R.
Identifiers: ClinVar variation 2727753 (VCV002727753.3), dbSNP rs951811300, ClinGen allele CA175939919.
Genomic context (GRCh38, chr8:41,934,423, plus strand): 5'-GACTGCCTCTGCTCCTCTGAGACACGGGGCTTCTCTTCTTCCTCCTCCACCTCAGGCTCC[T>C]TGGTTTCGGTCTCAGGACTATTGCTGCTGTCTGCTGGAGAGGCTGCTGGGACTTCACTGC-3'
Protein context (NP_006757.2, residues 1256-1276): DSSNSPETET[Lys1266Arg]EPEVEEEEEK

ClinVar aggregate classification (germline): Uncertain significance (1 of 4 stars; one submission).

Allele frequency attached by ClinVar (database versions not stated): gnomAD exomes below 0.00001.
gnomAD v4.1: 1 of 1,610,514 alleles (0.000062%); highest among the groups gnomAD compares: Non-Finnish European, 0.000085%; no homozygotes.

Submission:

Labcorp Genetics (formerly Invitae), Labcorp
Classification: Uncertain significance. Last evaluated: 2024-01-31. Review status: criteria provided, single submitter. Criteria: Invitae Variant Classification Sherloc (09022015). Collection method: clinical testing. Allele origin: germline.
Comment: This sequence change replaces lysine, which is basic and polar, with arginine, which is basic and polar, at codon 1266 of the KAT6A protein (p.Lys1266Arg). This variant is not present in population databases (gnomAD no frequency). This variant has not been reported in the literature in individuals affected with KAT6A-related conditions. Advanced modeling of protein sequence and biophysical properties (such as structural, functional, and spatial information, amino acid conservation, physicochemical variation, residue mobility, and thermodynamic stability) performed at Invitae indicates that this missense variant is not expected to disrupt KAT6A protein function with a negative predictive value of 80%. In summary, the available evidence is currently insufficient to determine the role of this variant in disease. Therefore, it has been classified as a Variant of Uncertain Significance.